The following is an entry in ClinVar:

Single allele

Genes: AMY1A (amylase alpha 1A; plus strand), AMY2A (amylase alpha 2A; plus strand). Cytogenetic location: 1p21.1.
Variant type: Deletion.
Identifiers: ClinVar variation 156745 (VCV000156745.2).

ClinVar aggregate classification (germline): not provided. Review status: no classification provided (0 of 4 stars). 3 submissions from 1 submitter: not provided (3).

Conditions:
Normal pregnancy. Identifiers: MedGen C0232989.
Small for gestational age. Also called: Low birth weight. Identifiers: MedGen C0235991, HP:0001518.
Large for gestational age. Identifiers: MedGen C1848395, HP:0001520.

Submissions (3):

Institute of Molecular and Cell Biology, University of Tartu
No classification provided. Condition: Normal pregnancy. Review status: no classification provided. Collection method: case-control. Allele origin: unknown. Affected: yes. Study: Kasak2014.
Comment: The study aimed to determine the contribution of copy number variants in the genetic etiology of normal and complicated pregnancies. The samples represented (i) maternal blood DNA drawn from healthy pregnant women during 1st or 2nd trimester and (ii) maternal and paternal blood DNA drawn at term pregnancy cases representing normal and complicated gestations (severe preeclampsia, PE; gestational diabetes, GD; small-for-gestational age newborn, SGA; large-for-gestational age newborn, LGA). We performed CNV calling based on genome-wide genotyping dataset (Illumina HumanOmniExpress-24-v1 BeadChip) by applying three algorithms, QuantiSNP, GADA (Genome Alteration Detection Algorithm) and CNstream in parallel. The acquired CNV calls were merged with HD-CNV (Hotspot Detector for Copy Number Variants) program and only the CNVs predicted by at least two programs, were considered in subsequent analysis.

Institute of Molecular and Cell Biology, University of Tartu
No classification provided. Condition: Small for gestational age. Review status: no classification provided. Collection method: case-control. Allele origin: unknown. Affected: yes. Study: Kasak2014.
Comment: the same text as in the submission from Institute of Molecular and Cell Biology, University of Tartu above.

Institute of Molecular and Cell Biology, University of Tartu
No classification provided. Condition: Large for gestational age. Review status: no classification provided. Collection method: case-control. Allele origin: unknown. Affected: yes. Study: Kasak2014.
Comment: the same text as in the submission from Institute of Molecular and Cell Biology, University of Tartu above.

Literature cited by the submitters: PubMed 25666259.